The following is an entry in ClinVar:

ClinVar aggregate classification (germline): Uncertain significance (1 of 4 stars; one submission).

Conditions:
Cardiovascular phenotype. Identifiers: MedGen CN230736.

Allele frequency attached by ClinVar (database versions not stated): TOPMed 0.00001.
gnomAD v4.1: 12 of 1,500,012 alleles (0.0008%); highest among the groups gnomAD compares: East Asian, 0.018%; no homozygotes.

Submission:

Ambry Genetics
Classification: Uncertain significance for Cardiovascular phenotype. Last evaluated: 2022-11-02. Review status: criteria provided, single submitter. Criteria: Ambry Variant Classification Scheme 2023. Collection method: clinical testing. Allele origin: germline.
Comment: The p.A17E variant (also known as c.50C>A), located in coding exon 1 of the LOX gene, results from a C to A substitution at nucleotide position 50. The alanine at codon 17 is replaced by glutamic acid, an amino acid with dissimilar properties. This amino acid position is conserved. In addition, this alteration is predicted to be tolerated by in silico analysis. Since supporting evidence is limited at this time, the clinical significance of this alteration remains unclear.

NM_002317.7(LOX):c.50C>A (p.Ala17Glu)

Genes: LOX (lysyl oxidase; minus strand), SRFBP1 (serum response factor binding protein 1; plus strand). Cytogenetic location: 5q23.1.
Variant type: single nucleotide variant.
Coding change: c.50C>A on transcript NM_002317.7 (MANE Select); coding-DNA position 50, C replaced by A.
Protein change: p.Ala17Glu; replaces alanine 17 with glutamic acid.
Molecular consequence: missense variant.
Genome position (GRCh38, 1-based): chr5:122,077,936, G>T on the plus strand (C>A on the coding strand, the complement: LOX is on the minus strand). VCF-style: chr5-122077936-G-T. GRCh37 (hg19) VCF-style: chr5-121413631-G-T.
Other names: short protein forms A17E.
Identifiers: ClinVar variation 2451960 (VCV002451960.2), dbSNP rs765159521, ClinGen allele CA3384136.
Genomic context (GRCh38, chr5:122,077,936, plus strand): 5'-GCCGGCGGCTCGCGCGGGGGCTGCTGTTGGCCGGCGGCGGGAGGGGCGCAGTGCACTAGC[G>T]CGCAGAGCTGCAAAGGCCCGAGCAGGAGCACGGTCCAGGCGAAGCGCATCACTCCTTTTG-3'
Protein context (NP_002308.2, residues 7-27): VLLLGPLQLC[Ala17Glu]LVHCAPPAAG